The following is an entry in ClinVar:

ClinVar aggregate classification (germline): Uncertain significance (1 of 4 stars; one submission).

Conditions:
Inborn genetic diseases. Identifiers: MedGen C0950123, MeSH D030342.

gnomAD v4.1: 1 of 1,612,440 alleles (0.000062%); highest among the groups gnomAD compares: East Asian, 0.0022%; no homozygotes.

Submission:

Ambry Genetics
Classification: Uncertain significance for Inborn genetic diseases. Last evaluated: 2025-09-26. Review status: criteria provided, single submitter. Criteria: Ambry Variant Classification Scheme 2023. Collection method: clinical testing. Allele origin: germline.
Comment: The p.L529V variant (also known as c.1585C>G), located in coding exon 10 of the ERCC6L2 gene, results from a C to G substitution at nucleotide position 1585. The leucine at codon 529 is replaced by valine, an amino acid with highly similar properties. This amino acid position is conserved. In addition, this alteration is predicted to be tolerated by in silico analysis. Based on the available evidence, the clinical significance of this variant remains unclear.

NM_020207.7(ERCC6L2):c.1585C>G (p.Leu529Val)

Gene: ERCC6L2 (ERCC excision repair 6 like 2; plus strand). Cytogenetic location: 9q22.32.
Variant type: single nucleotide variant.
Coding change: c.1585C>G on transcript NM_020207.7 (MANE Select); coding-DNA position 1585, C replaced by G.
Protein change: p.Leu529Val; replaces leucine 529 with valine.
Molecular consequence: missense variant. On other transcripts: non-coding transcript variant (1).
Genome position (GRCh38, 1-based): chr9:95,928,130, C>G. VCF-style: chr9-95928130-C-G. GRCh37 (hg19) VCF-style: chr9-98690412-C-G.
Other names: c.1585C>G, p.Leu529Val (NM_001010895.4, NM_001375291.1, NM_001375292.1 and 2 more transcripts); short protein forms L529V.
Identifiers: ClinVar variation 4618709 (VCV004618709.1).